The following is an entry in ClinVar:

ClinVar aggregate classification (germline): Likely benign (0 of 4 stars; one submission).

Conditions:
TRIO-related disorder. Also called: TRIO-related disorders; TRIO-related condition.

Allele frequency attached by ClinVar (database versions not stated): gnomAD exomes 0.00001; ExAC 0.00002.
gnomAD v4.1: 20 of 1,614,028 alleles (0.0012%); highest among the groups gnomAD compares: South Asian, 0.02%; no homozygotes.

Submission:

PreventionGenetics, part of Exact Sciences
Classification: Likely benign for TRIO-related condition. Last evaluated: 2024-01-29. Review status: no assertion criteria provided. Collection method: clinical testing. Allele origin: germline.
Comment: This variant is classified as likely benign based on ACMG/AMP sequence variant interpretation guidelines (Richards et al. 2015 PMID: 25741868, with internal and published modifications).

NM_007118.4(TRIO):c.7773G>A (p.Val2591=)

Gene: TRIO (trio Rho guanine nucleotide exchange factor; plus strand). Cytogenetic location: 5p15.2.
Variant type: single nucleotide variant.
Coding change: c.7773G>A on transcript NM_007118.4 (MANE Select); coding-DNA position 7773, G replaced by A.
Protein change: p.Val2591=; no amino-acid change (valine 2591 retained).
Molecular consequence: synonymous variant. On other transcripts: non-coding transcript variant (1).
Genome position (GRCh38, 1-based): chr5:14,492,707, G>A. VCF-style: chr5-14492707-G-A. GRCh37 (hg19) VCF-style: chr5-14492816-G-A.
Identifiers: ClinVar variation 3058398 (VCV003058398.2), dbSNP rs747770943, ClinGen allele CA3207613.